The following is an entry in ClinVar:

NM_198282.4(STING1):c.911A>G (p.Glu304Gly)

Gene: STING1 (stimulator of interferon response cGAMP interactor 1; minus strand). Cytogenetic location: 5q31.2.
Variant type: single nucleotide variant.
Coding change: c.911A>G on transcript NM_198282.4 (MANE Select); coding-DNA position 911, A replaced by G.
Protein change: p.Glu304Gly; replaces glutamic acid 304 with glycine.
Molecular consequence: missense variant. On other transcripts: intron variant (1).
Genome position (GRCh38, 1-based): chr5:139,477,364, T>C on the plus strand (A>G on the coding strand, the complement: STING1 is on the minus strand). VCF-style: chr5-139477364-T-C. GRCh37 (hg19) VCF-style: chr5-138856949-T-C.
Other names: c.554A>G, p.Glu185Gly (NM_001367258.1); c.759+906A>G (NM_001301738.2); short protein forms E185G, E304G.
Identifiers: ClinVar variation 4745163 (VCV004745163.1).
Genomic context (GRCh38, chr5:139,477,364, plus strand): 5'-ACCCCTCACCCTACCAACCCCTCACCCTGGTAGGCAATGAGGCGGCAGTTGTTCTGAGAC[T>C]CAGGGGCATCTGCCAGGATGTCCTCAAGTGTCCGGCAGAAGAGTTTGGCCTGCTCAAGCC-3'
Protein context (NP_938023.1, residues 294-314): TLEDILADAP[Glu304Gly]SQNNCRLIAY

ClinVar aggregate classification (germline): Uncertain significance (1 of 4 stars; one submission).

Conditions:
STING-associated vasculopathy with onset in infancy. Also called: Sting-associated vasculopathy, infantile-onset. Identifiers: Orphanet 425120, MedGen C4014722, MONDO:0014405, OMIM 615934.

Submission:

Labcorp Genetics (formerly Invitae), Labcorp
Classification: Uncertain significance for STING-associated vasculopathy with onset in infancy. Last evaluated: 2026-01-27. Review status: criteria provided, single submitter. Criteria: Invitae Variant Classification Sherloc (09022015). Collection method: clinical testing. Allele origin: germline.
Comment: This sequence change replaces glutamic acid, which is acidic and polar, with glycine, which is neutral and non-polar, at codon 304 of the TMEM173 protein (p.Glu304Gly). This variant is not present in population databases (gnomAD no frequency). This variant has not been reported in the literature in individuals affected with TMEM173-related conditions. Invitae Evidence Modeling of protein sequence and biophysical properties (such as structural, functional, and spatial information, amino acid conservation, physicochemical variation, residue mobility, and thermodynamic stability) indicates that this missense variant is expected to disrupt TMEM173 protein function with a positive predictive value of 80%. In summary, the available evidence is currently insufficient to determine the role of this variant in disease. Therefore, it has been classified as a Variant of Uncertain Significance.